The following is an entry in ClinVar:

ClinVar aggregate classification (germline): Benign/Likely benign. Review status: criteria provided, multiple submitters, no conflicts (2 of 4 stars). 5 submissions from 5 submitters: Benign (3); Likely benign (2). Last evaluated 2026-05-01.

Submissions (5):

CeGaT Center for Human Genetics Tuebingen
Classification: Likely benign. Last evaluated: 2026-05-01. Review status: criteria provided, single submitter. Criteria: CeGaT Center For Human Genetics Tuebingen Variant Classification Criteria Version 2. Collection method: clinical testing. Allele origin: germline. Affected: yes. Observed: 2 variant alleles.
Comment: OTOF: BS1

Labcorp Genetics (formerly Invitae), Labcorp
Classification: Benign. Last evaluated: 2026-02-02. Review status: criteria provided, single submitter. Criteria: Invitae Variant Classification Sherloc (09022015). Collection method: clinical testing. Allele origin: germline.

Athena Diagnostics
Classification: Benign. Last evaluated: 2018-08-30. Review status: criteria provided, single submitter. Criteria: Athena Diagnostics Criteria. Collection method: clinical testing. Allele origin: germline.

GeneDx
Classification: Likely benign. Last evaluated: 2018-01-23. Review status: criteria provided, single submitter. Criteria: GeneDx Variant Classification (06012015). Collection method: clinical testing. Allele origin: germline. Affected: yes.
Comment: This variant is considered likely benign or benign based on one or more of the following criteria: it is a conservative change, it occurs at a poorly conserved position in the protein, it is predicted to be benign by multiple in silico algorithms, and/or has population frequency not consistent with disease.

Laboratory for Molecular Medicine, Mass General Brigham Personalized Medicine
Classification: Benign. Last evaluated: 2009-11-24. Review status: criteria provided, single submitter. Criteria: LMM Criteria. Collection method: clinical testing. Allele origin: germline. Observed: 51 variant alleles.

NM_194248.3(OTOF):c.2401_2402delinsTT (p.Glu801Leu)

Gene: OTOF (otoferlin; minus strand). Cytogenetic location: 2p23.3.
Variant type: Indel.
Coding change: c.2401_2402delinsTT on transcript NM_194248.3 (MANE Select); coding-DNA positions 2401 to 2402, GA replaced by TT.
Protein change: p.Glu801Leu; replaces glutamic acid 801 with leucine.
Molecular consequence: missense variant.
Genome position (GRCh38, 1-based): chr2:26,477,420-26,477,421, TC replaced by AA on the plus strand (GA replaced by TT on the coding strand, the reverse complement: OTOF is on the minus strand). VCF-style: chr2-26477420-TC-AA. GRCh37 (hg19) VCF-style: chr2-26700288-TC-AA.
Other names: c.2401_2402delinsTT, p.Glu801Leu (NM_001287489.2); c.160_161delinsTT, p.Glu54Leu (NM_004802.4, NM_194323.3); c.331_332delinsTT, p.Glu111Leu (NM_194322.3); short protein forms E54L, E801L, E111L.
Identifiers: ClinVar variation 48196 (VCV000048196.17), dbSNP rs111033392, ClinGen allele CA142800.